The following is an entry in ClinVar:

ClinVar aggregate classification (germline): Uncertain significance. Review status: criteria provided, multiple submitters, no conflicts (2 of 4 stars). 3 submissions from 3 submitters: Uncertain significance (3). Last evaluated 2025-03-04.

Conditions:
Hereditary cancer-predisposing syndrome. Also called: Neoplastic Syndromes, Hereditary; Tumor predisposition; Hereditary Cancer Syndrome; Hereditary neoplastic syndrome. Identifiers: Orphanet 140162, MedGen C0027672, MeSH D009386, MONDO:0015356.
Familial cancer of breast. Also called: BREAST CANCER, FAMILIAL; hereditary breast carcinoma; Hereditary breast cancer. Identifiers: Orphanet 227535, MedGen C0346153, MONDO:0016419, OMIM 114480. Disease mechanism: loss of function.

Submissions (3):

Center for Genomic Medicine, Rigshospitalet, Copenhagen University Hospital
Classification: Uncertain significance. Last evaluated: 2025-03-04. Review status: criteria provided, single submitter. Criteria: ACMG Guidelines, 2015. Collection method: clinical testing. Allele origin: germline.

Ambry Genetics
Classification: Uncertain significance for Hereditary cancer-predisposing syndrome. Last evaluated: 2024-03-14. Review status: criteria provided, single submitter. Criteria: Ambry Variant Classification Scheme 2023. Collection method: clinical testing. Allele origin: germline.
Comment: The p.Y136H variant (also known as c.406T>C), located in coding exon 2 of the CHEK2 gene, results from a T to C substitution at nucleotide position 406. The tyrosine at codon 136 is replaced by histidine, an amino acid with similar properties. This amino acid position is conserved. In addition, this alteration is predicted to be deleterious by in silico analysis. Based on the available evidence, the clinical significance of this alteration remains unclear.

Labcorp Genetics (formerly Invitae), Labcorp
Classification: Uncertain significance for Familial cancer of breast. Last evaluated: 2022-06-29. Review status: criteria provided, single submitter. Criteria: Invitae Variant Classification Sherloc (09022015). Collection method: clinical testing. Allele origin: germline.
Comment: This sequence change replaces tyrosine, which is neutral and polar, with histidine, which is basic and polar, at codon 136 of the CHEK2 protein (p.Tyr136His). This variant is not present in population databases (gnomAD no frequency). This variant has not been reported in the literature in individuals affected with CHEK2-related conditions. ClinVar contains an entry for this variant (Variation ID: 460832). Algorithms developed to predict the effect of missense changes on protein structure and function (SIFT, PolyPhen-2, Align-GVGD) all suggest that this variant is likely to be disruptive. In summary, the available evidence is currently insufficient to determine the role of this variant in disease. Therefore, it has been classified as a Variant of Uncertain Significance.

NM_007194.4(CHEK2):c.406T>C (p.Tyr136His)

Gene: CHEK2 (checkpoint kinase 2; minus strand). Cytogenetic location: 22q12.1.
Variant type: single nucleotide variant.
Coding change: c.406T>C on transcript NM_007194.4 (MANE Select); coding-DNA position 406, T replaced by C.
Protein change: p.Tyr136His; replaces tyrosine 136 with histidine.
Molecular consequence: missense variant.
Genome position (GRCh38, 1-based): chr22:28,725,281, A>G on the plus strand (T>C on the coding strand, the complement: CHEK2 is on the minus strand). VCF-style: chr22-28725281-A-G. GRCh37 (hg19) VCF-style: chr22-29121269-A-G.
Other names: c.535T>C, p.Tyr179His (NM_001005735.3); c.-372T>C (NM_001257387.3); c.406T>C, p.Tyr136His (NM_001349956.3, NM_145862.3); short protein forms Y136H, Y179H.
Identifiers: ClinVar variation 460832 (VCV000460832.16), dbSNP rs1555927222, ClinGen allele CA411107990.